The following is an entry in ClinVar:

ClinVar aggregate classification (germline): Likely benign. Review status: criteria provided, multiple submitters, no conflicts (2 of 4 stars). 3 submissions from 3 submitters: Likely benign (3). Last evaluated 2024-07-04.

Conditions:
Dystonia 12 (DYT12). Also called: DYT-ATP1A3; Rapid-Onset Dystonia-Parkinsonism (RDP). Identifiers: Orphanet 71517, MedGen C1868681, MONDO:0007496, OMIM 128235.

Allele frequency attached by ClinVar (database versions not stated): gnomAD exomes below 0.00001; gnomAD 0.00002; TOPMed 0.00002; ESP Exome Variant Server 0.00008.
gnomAD v4.1: 11 of 1,614,080 alleles (0.00068%); highest among the groups gnomAD compares: East Asian, 0.0045%; no homozygotes.

Submissions (3):

Blueprint Genetics
Classification: Likely benign. Last evaluated: 2024-07-04. Review status: criteria provided, single submitter. Criteria: ACMG Guidelines, 2015. Collection method: clinical testing. Allele origin: germline.

Labcorp Genetics (formerly Invitae), Labcorp
Classification: Likely benign for Dystonia 12. Last evaluated: 2024-02-17. Review status: criteria provided, single submitter. Criteria: Invitae Variant Classification Sherloc (09022015). Collection method: clinical testing. Allele origin: germline.

CeGaT Center for Human Genetics Tuebingen
Classification: Likely benign. Last evaluated: 2022-07-01. Review status: criteria provided, single submitter. Criteria: CeGaT Center For Human Genetics Tuebingen Variant Classification Criteria Version 2. Collection method: clinical testing. Allele origin: germline. Affected: yes. Observed: 1 variant allele.
Comment: ATP1A3: BP4, BP7

NM_152296.5(ATP1A3):c.1215G>A (p.Ser405=)

Gene: ATP1A3 (ATPase Na+/K+ transporting subunit alpha 3; minus strand). Cytogenetic location: 19q13.2.
Variant type: single nucleotide variant.
Coding change: c.1215G>A on transcript NM_152296.5 (MANE Select); coding-DNA position 1215, G replaced by A.
Protein change: p.Ser405=; no amino-acid change (serine 405 retained).
Molecular consequence: synonymous variant.
Genome position (GRCh38, 1-based): chr19:41,981,809, C>T on the plus strand (G>A on the coding strand, the complement: ATP1A3 is on the minus strand). VCF-style: chr19-41981809-C-T. GRCh37 (hg19) VCF-style: chr19-42485961-C-T.
Other names: c.1248G>A, p.Ser416= (NM_001256213.2); c.1254G>A, p.Ser418= (NM_001256214.2).
Identifiers: ClinVar variation 1625466 (VCV001625466.38), dbSNP rs374534881, ClinGen allele CA308595690.
Genomic context (GRCh38, chr19:41,981,809, plus strand): 5'-ACCCTTGAAGACAGCGCGATTGCAGAGCCCAGCGATGTGAGACAGGGCCACCCAGGTGTG[C>T]GAACTCTTGTCAAATGAGGTCCCTGGGGGAGGCATGTGTGAGGGCCAGGGACTCCTGGAG-3'
Protein context (NP_689509.1, residues 395-415): DQSGTSFDKS[Ser405=]HTWVALSHIA